The following is an entry in ClinVar:

NM_000156.6(GAMT):c.526dup (p.Glu176fs)

Gene: GAMT (guanidinoacetate N-methyltransferase; minus strand). Cytogenetic location: 19p13.3.
Variant type: Duplication.
Coding change: c.526dup on transcript NM_000156.6 (MANE Select); coding-DNA position 526, one base duplicated (G; older notation c.526dupG).
Protein change: p.Glu176fs; shifts the reading frame from glutamic acid 176.
Molecular consequence: frameshift variant.
Genome position (GRCh38, 1-based): chr19:1,398,960, C duplicated on the plus strand (G on the coding strand, the reverse complement: GAMT is on the minus strand); the first of 6 consecutive C bases (chr19:1,398,960-1,398,965); duplicating any one gives the same sequence. VCF-style (leftmost placement, unchanged base first): chr19-1398959-T-TC. GRCh37 (hg19) VCF-style: chr19-1398958-T-TC.
Other names: NM_000156.6(GAMT):c.526dup; p.Glu176fs; c.526dup, p.Glu176fs (NM_138924.3); short protein forms E176fs.
Identifiers: ClinVar variation 1409758 (VCV001409758.7), dbSNP rs2144636246, ClinGen allele CA913184710.
Genomic context (GRCh38, chr19:1,398,959, plus strand): 5'-ACTTCAGGTGGGCGCACCTCAAACATGATGGTGATGTCTGAGTACTTGGACTTCATCAGC[T>TC]CCCCCCAGGAGGTGAGGTTGCAGTAGGTGAGGACGCCCCCCGGCTTCAGCAGGCGAAAGG-3'

ClinVar aggregate classification (germline): Pathogenic. Review status: reviewed by expert panel (3 of 4 stars). 3 submissions from 3 submitters: Pathogenic (1). 2 of the submissions do not count toward it. Last evaluated 2023-03-23.

Conditions:
Cerebral creatine deficiency syndrome. Also called: Creatine deficiency syndromes. Identifiers: Orphanet 79172, MedGen C5244016, MONDO:0000456.
Deficiency of guanidinoacetate methyltransferase (CCDS2). Also called: GAMT DEFICIENCY; CEREBRAL CREATINE DEFICIENCY SYNDROME 2; Guanidinoacetate Methyltransferase (GAMT) Deficiency. Identifiers: Orphanet 382, MedGen C0574080, MONDO:0012999, OMIM 612736.

Submissions (3):

ClinGen Cerebral Creatine Deficiency Syndromes Variant Curation Expert Panel, ClinGen
Classification: Pathogenic for Deficiency of guanidinoacetate methyltransferase. Last evaluated: 2023-03-23. Review status: reviewed by expert panel. Criteria: ClinGen_CCDS_ACMG_Specifications_GAMT_v1.1. Collection method: curation. Allele origin: germline. Inheritance: Autosomal recessive inheritance.
Comment: The NM_000156.6:c.526dup (p.Glu176GlyfsTer15) variant in GAMT has been previously reported in at least one individual with guanidinoacetate methyltransferase deficiency (PMID: 15108290). This variant is absent in population databases (PM2_Supporting). This variant has been reported in ClinVar (Variation ID: 1409758) and has been interpreted as pathogenic by Invitae. The individual who was previously reported was a compound heterozygote; however, this occurrence was counted for evidence for PM3 for the other variant and thus not used here to prevent circularity in the use of PM3 (PMID: 15108290). This individual showed elevated urinary GAA and partially absent creatine peak and absent GAA peak on brain MRS with full GAMT gene sequencing (PMID: 15108290) (PP4_Strong). The p.Glu176GlyfsTer15 variant is a frameshift variant at amino acid position 176 that is predicted to lead to premature termination 15 amino acids downstream. As the variant results in termination downstream of the last 50 base pairs of the penultimate exon of the GAMT gene, nonsense-mediated decay is not predicted; however, the variant results in removal of >10% of the encoded protein (PVS1_Strong). In summary, this variant meets criteria to be classified as pathogenic for guanidinoacetate methyltransferase (GAMT) deficiency. GAMT-specific ACMG/AMP criteria applied, as specified by the ClinGen Cerebral Creatine Deficiencies Variant Curation Expert Panel (CCDS VCEP) (Specifications version 1.1.0): PVS1_Strong, PM2_Supporting, PP4_Strong (Richards 2015). (Classification approved by the ClinGen CCDS VCEP on March 23, 2023)

Labcorp Genetics (formerly Invitae), Labcorp
Classification: Pathogenic for Cerebral creatine deficiency syndrome. Last evaluated: 2024-05-04. Review status: criteria provided, single submitter. Criteria: Invitae Variant Classification Sherloc (09022015). Collection method: clinical testing. Allele origin: germline. Not counted in ClinVar's aggregate classification.
Comment: This sequence change creates a premature translational stop signal (p.Glu176Glyfs*15) in the GAMT gene. While this is not anticipated to result in nonsense mediated decay, it is expected to disrupt the last 61 amino acid(s) of the GAMT protein. This variant is not present in population databases (gnomAD no frequency). This premature translational stop signal has been observed in individual(s) with guanidinoacetate methyltransferase deficiency (PMID: 15108290, 24415674). ClinVar contains an entry for this variant (Variation ID: 1409758). This variant disrupts a region of the GAMT protein in which other variant(s) (p.Q193*) have been determined to be pathogenic (PMID: 23234264, 31130284). This suggests that this is a clinically significant region of the protein, and that variants that disrupt it are likely to be disease-causing. For these reasons, this variant has been classified as Pathogenic.

Baylor Genetics
Classification: Pathogenic for Deficiency of guanidinoacetate methyltransferase. Last evaluated: 2023-04-25. Review status: criteria provided, single submitter. Criteria: ACMG Guidelines, 2015. Collection method: clinical testing. Allele origin: unknown. Not counted in ClinVar's aggregate classification.

Literature cited by the submitters: PubMed 15108290 (cited by Labcorp Genetics (formerly Invitae), Labcorp); PubMed 24415674 (cited by Labcorp Genetics (formerly Invitae), Labcorp); PubMed 23234264 (cited by Labcorp Genetics (formerly Invitae), Labcorp); PubMed 31130284 (cited by Labcorp Genetics (formerly Invitae), Labcorp).